The following is an entry in ClinVar:

ClinVar aggregate classification (germline): Uncertain significance (1 of 4 stars; one submission).

Allele frequency attached by ClinVar (database versions not stated): gnomAD exomes 0.00001.
gnomAD v4.1: 7 of 1,594,158 alleles (0.00044%); highest among the groups gnomAD compares: Admixed American, 0.011%; no homozygotes.

Submission:

Labcorp Genetics (formerly Invitae), Labcorp
Classification: Uncertain significance. Last evaluated: 2025-04-09. Review status: criteria provided, single submitter. Criteria: Invitae Variant Classification Sherloc (09022015). Collection method: clinical testing. Allele origin: germline.
Comment: This sequence change falls in intron 2 of the EIF2AK1 gene. It does not directly change the encoded amino acid sequence of the EIF2AK1 protein. This variant is present in population databases (no rsID available, gnomAD 0.007%). This variant has not been reported in the literature in individuals affected with EIF2AK1-related conditions. ClinVar contains an entry for this variant (Variation ID: 1974964). Algorithms developed to predict the effect of sequence changes on RNA splicing suggest that this variant may create or strengthen a splice site. In summary, the available evidence is currently insufficient to determine the role of this variant in disease. Therefore, it has been classified as a Variant of Uncertain Significance.

NM_014413.4(EIF2AK1):c.278-6T>G

Gene: EIF2AK1 (eukaryotic translation initiation factor 2 alpha kinase 1; minus strand). Cytogenetic location: 7p22.1.
Variant type: single nucleotide variant.
Coding change: c.278-6T>G on transcript NM_014413.4 (MANE Select); 6 bases into the intron before coding-DNA position 278, T replaced by G.
Molecular consequence: intron variant.
Genome position (GRCh38, 1-based): chr7:6,050,051, A>C on the plus strand (T>G on the coding strand, the complement: EIF2AK1 is on the minus strand). VCF-style: chr7-6050051-A-C. GRCh37 (hg19) VCF-style: chr7-6089682-A-C.
Other names: c.278-6T>G (NM_001134335.2).
Identifiers: ClinVar variation 1974964 (VCV001974964.5), dbSNP rs1276303042, ClinGen allele CA572557249.
Genomic context (GRCh38, chr7:6,050,051, plus strand): 5'-TCACTACAAGTGAAAGAAGACAGCAGCCCCATTTTGATAAACGTCTGGCAAAGTACTATA[A>C]AAAGAATATGAAAAACTATTATTAGAAACATCTTTAATAAAATGGCAATTTTAAAGTGTA-3'